The following is an entry in ClinVar:

ClinVar aggregate classification (germline): Uncertain significance (1 of 4 stars; one submission).

Submission:

Labcorp Genetics (formerly Invitae), Labcorp
Classification: Uncertain significance. Last evaluated: 2023-09-12. Review status: criteria provided, single submitter. Criteria: Invitae Variant Classification Sherloc (09022015). Collection method: clinical testing. Allele origin: germline.
Comment: This sequence change replaces threonine, which is neutral and polar, with isoleucine, which is neutral and non-polar, at codon 738 of the SLC12A2 protein (p.Thr738Ile). This variant is not present in population databases (gnomAD no frequency). This variant has not been reported in the literature in individuals affected with SLC12A2-related conditions. Advanced modeling of protein sequence and biophysical properties (such as structural, functional, and spatial information, amino acid conservation, physicochemical variation, residue mobility, and thermodynamic stability) performed at Invitae indicates that this missense variant is not expected to disrupt SLC12A2 protein function. In summary, the available evidence is currently insufficient to determine the role of this variant in disease. Therefore, it has been classified as a Variant of Uncertain Significance.

NM_001046.3(SLC12A2):c.2213C>T (p.Thr738Ile)

Gene: SLC12A2 (solute carrier family 12 member 2; plus strand). Cytogenetic location: 5q23.3.
Variant type: single nucleotide variant.
Coding change: c.2213C>T on transcript NM_001046.3 (MANE Select); coding-DNA position 2213, C replaced by T.
Protein change: p.Thr738Ile; replaces threonine 738 with isoleucine.
Molecular consequence: missense variant. On other transcripts: non-coding transcript variant (1).
Genome position (GRCh38, 1-based): chr5:128,151,346, C>T. VCF-style: chr5-128151346-C-T. GRCh37 (hg19) VCF-style: chr5-127487038-C-T.
Other names: c.2213C>T, p.Thr738Ile (NM_001256461.2); short protein forms T738I.
Identifiers: ClinVar variation 2759747 (VCV002759747.3), dbSNP rs2479411807, ClinGen allele CA360749004.
Genomic context (GRCh38, chr5:128,151,346, plus strand): 5'-TTGGAGCAATTCTTTGTTGCATAGTAATGTTCGTCATTAACTGGTGGGCTGCATTGCTAA[C>T]ATATGTGATAGTCCTTGGGCTGTATATTTATGTTACCTACAAAAAACCAGGTCAGTAGCC-3'
Protein context (NP_001037.1, residues 728-748): FVINWWAALL[Thr738Ile]YVIVLGLYIY